The following is an entry in ClinVar:

NM_000260.4(MYO7A):c.5785C>T (p.Gln1929Ter)

Gene: MYO7A (myosin VIIA; plus strand). Cytogenetic location: 11q13.5.
Variant type: single nucleotide variant.
Coding change: c.5785C>T on transcript NM_000260.4 (MANE Select); coding-DNA position 5785, C replaced by T.
Protein change: p.Gln1929Ter; replaces glutamine 1929 with a stop codon.
Molecular consequence: nonsense.
Genome position (GRCh38, 1-based): chr11:77,207,331, C>T. VCF-style: chr11-77207331-C-T. GRCh37 (hg19) VCF-style: chr11-76918376-C-T.
Other names: c.5671C>T, p.Gln1891Ter (NM_001127180.2); c.5638C>T, p.Gln1880Ter (NM_001369365.1); short protein forms Q1880*, Q1891*, Q1929*.
Identifiers: ClinVar variation 864590 (VCV000864590.10), dbSNP rs1957512851, ClinGen allele CA381954001.

ClinVar aggregate classification (germline): Pathogenic. Review status: criteria provided, multiple submitters, no conflicts (2 of 4 stars). 2 submissions from 2 submitters: Pathogenic (2). Last evaluated 2024-05-20.

Conditions:
Autosomal dominant nonsyndromic hearing loss 11. Identifiers: Orphanet 90635, MedGen C1832475, MONDO:0011032, OMIM 601317.
Autosomal recessive nonsyndromic hearing loss 2. Also called: DEAFNESS, AUTOSOMAL RECESSIVE 2; NEUROSENSORY NONSYNDROMIC RECESSIVE DEAFNESS 2. Identifiers: Orphanet 90636, MedGen C1838701, MONDO:0010807, OMIM 600060.
Usher syndrome type 1 (USH1). Also called: RETINITIS PIGMENTOSA AND CONGENITAL DEAFNESS. Identifiers: Orphanet 231169, Orphanet 886, MedGen C1568247, MONDO:0010168, OMIM 276900.

Submissions (2):

Fulgent Genetics
Classification: Pathogenic for Usher syndrome type 1; Autosomal recessive nonsyndromic hearing loss 2; Autosomal dominant nonsyndromic hearing loss 11. Last evaluated: 2024-05-20. Review status: criteria provided, single submitter. Criteria: ACMG Guidelines, 2015. Collection method: clinical testing. Allele origin: germline.

Labcorp Genetics (formerly Invitae), Labcorp
Classification: Pathogenic. Last evaluated: 2019-04-12. Review status: criteria provided, single submitter. Criteria: Invitae Variant Classification Sherloc (09022015). Collection method: clinical testing. Allele origin: germline.
Comment: This sequence change creates a premature translational stop signal (p.Gln1929*) in the MYO7A gene. It is expected to result in an absent or disrupted protein product. This variant is not present in population databases (ExAC no frequency). This variant has been observed in an individual affected with nonsyndromic deafness (PMID: 26226137). Loss-of-function variants in MYO7A are known to be pathogenic (PMID: 8900236). For these reasons, this variant has been classified as Pathogenic.

Literature cited by the submitters: PubMed 26226137 (cited by Labcorp Genetics (formerly Invitae), Labcorp); PubMed 8900236 (cited by Labcorp Genetics (formerly Invitae), Labcorp).